The following is an entry in ClinVar:

ClinVar aggregate classification (germline): Uncertain significance (1 of 4 stars; one submission).

Conditions:
Alstrom syndrome (ALMS). Identifiers: Orphanet 64, MedGen C0268425, MONDO:0008763, OMIM 203800.

Allele frequency attached by ClinVar (database versions not stated): gnomAD exomes below 0.00001; TOPMed below 0.00001.
gnomAD v4.1: 2 of 1,613,980 alleles (0.00012%); highest among the groups gnomAD compares: East Asian, 0.0022%; no homozygotes.

Submission:

Labcorp Genetics (formerly Invitae), Labcorp
Classification: Uncertain significance for Alstrom syndrome. Last evaluated: 2022-02-18. Review status: criteria provided, single submitter. Criteria: Invitae Variant Classification Sherloc (09022015). Collection method: clinical testing. Allele origin: germline.
Comment: This sequence change replaces cysteine, which is neutral and slightly polar, with serine, which is neutral and polar, at codon 3053 of the ALMS1 protein (p.Cys3053Ser). This variant is present in population databases (no rsID available, gnomAD 0.006%). This variant has not been reported in the literature in individuals affected with ALMS1-related conditions. Experimental studies and prediction algorithms are not available or were not evaluated, and the functional significance of this variant is currently unknown. In summary, the available evidence is currently insufficient to determine the role of this variant in disease. Therefore, it has been classified as a Variant of Uncertain Significance.

NM_001378454.1(ALMS1):c.9155G>C (p.Cys3052Ser)

Gene: ALMS1 (ALMS1 centrosome and basal body associated protein; plus strand). Cytogenetic location: 2p13.1.
Variant type: single nucleotide variant.
Coding change: c.9155G>C on transcript NM_001378454.1 (MANE Select); coding-DNA position 9155, G replaced by C.
Protein change: p.Cys3052Ser; replaces cysteine 3052 with serine.
Molecular consequence: missense variant.
Genome position (GRCh38, 1-based): chr2:73,491,114, G>C. VCF-style: chr2-73491114-G-C. GRCh37 (hg19) VCF-style: chr2-73718241-G-C.
Other names: c.9158G>C, p.Cys3053Ser (NM_015120.4); short protein forms C3052S, C3053S.
Identifiers: ClinVar variation 1943113 (VCV001943113.5), dbSNP rs1244157180, ClinGen allele CA347273303.